The following is an entry in ClinVar:

ClinVar aggregate classification (germline): Benign/Likely benign. Review status: criteria provided, multiple submitters, no conflicts (2 of 4 stars). 3 submissions from 3 submitters: Benign (1); Likely benign (2). Last evaluated 2024-07-03.

Conditions:
Hereditary cancer-predisposing syndrome. Also called: Hereditary Cancer Syndrome; Hereditary neoplastic syndrome; Neoplastic Syndromes, Hereditary; Tumor predisposition. Identifiers: Orphanet 140162, MedGen C0027672, MeSH D009386, MONDO:0015356.
Oligodontia-cancer predisposition syndrome. Also called: TOOTH AGENESIS-COLORECTAL CANCER SYNDROME. Identifiers: Orphanet 300576, MedGen C1837750, MONDO:0012075, OMIM 608615. Disease mechanism: loss of function.

Submissions (3):

Myriad Genetics, Inc.
Classification: Benign for Oligodontia-cancer predisposition syndrome. Last evaluated: 2024-07-03. Review status: criteria provided, single submitter. Criteria: Myriad Autosomal Dominant, Autosomal Recessive and X-Linked Classification Criteria (2023). Collection method: clinical testing. Allele origin: unknown.
Comment: This variant is considered benign. This variant is a silent/synonymous amino acid change and it is not expected to impact splicing.

Labcorp Genetics (formerly Invitae), Labcorp
Classification: Likely benign for Oligodontia-cancer predisposition syndrome. Last evaluated: 2022-10-30. Review status: criteria provided, single submitter. Criteria: Invitae Variant Classification Sherloc (09022015). Collection method: clinical testing. Allele origin: germline.

Ambry Genetics
Classification: Likely benign for Hereditary cancer-predisposing syndrome. Last evaluated: 2019-06-11. Review status: criteria provided, single submitter. Criteria: Ambry Variant Classification Scheme 2023. Collection method: clinical testing. Allele origin: germline.

NM_004655.4(AXIN2):c.1560C>T (p.His520=)

Gene: AXIN2 (axin 2; minus strand). Cytogenetic location: 17q24.1.
Variant type: single nucleotide variant.
Coding change: c.1560C>T on transcript NM_004655.4 (MANE Select); coding-DNA position 1560, C replaced by T.
Protein change: p.His520=; no amino-acid change (histidine 520 retained).
Molecular consequence: synonymous variant.
Genome position (GRCh38, 1-based): chr17:65,537,476, G>A on the plus strand (C>T on the coding strand, the complement: AXIN2 is on the minus strand). VCF-style: chr17-65537476-G-A. GRCh37 (hg19) VCF-style: chr17-63533594-G-A.
Other names: c.1560C>T, p.His520= (NM_001363813.1).
Identifiers: ClinVar variation 1775254 (VCV001775254.6), dbSNP rs1598098799, ClinGen allele CA501691271.